The following is an entry in ClinVar:

NM_020778.5(ALPK3):c.3508C>T (p.Pro1170Ser)

Gene: ALPK3 (alpha kinase 3; plus strand). Cytogenetic location: 15q25.3.
Variant type: single nucleotide variant.
Coding change: c.3508C>T on transcript NM_020778.5 (MANE Select); coding-DNA position 3508, C replaced by T.
Protein change: p.Pro1170Ser; replaces proline 1170 with serine.
Molecular consequence: missense variant.
Genome position (GRCh38, 1-based): chr15:84,858,246, C>T. VCF-style: chr15-84858246-C-T. GRCh37 (hg19) VCF-style: chr15-85401477-C-T.
Other names: short protein forms P1170S.
Identifiers: ClinVar variation 4057174 (VCV004057174.2).

ClinVar aggregate classification (germline): Uncertain significance. Review status: criteria provided, multiple submitters, no conflicts (2 of 4 stars). 2 submissions from 2 submitters: Uncertain significance (2). Last evaluated 2025-11-12.

Submissions (2):

Labcorp Genetics (formerly Invitae), Labcorp
Classification: Uncertain significance. Last evaluated: 2025-11-12. Review status: criteria provided, single submitter. Criteria: Invitae Variant Classification Sherloc (09022015). Collection method: clinical testing. Allele origin: germline.
Comment: This sequence change replaces proline, which is neutral and non-polar, with serine, which is neutral and polar, at codon 1372 of the ALPK3 protein (p.Pro1372Ser). This variant is not present in population databases (gnomAD no frequency). This variant has not been reported in the literature in individuals affected with ALPK3-related conditions. ClinVar contains an entry for this variant (Variation ID: 4057174). Invitae Evidence Modeling of protein sequence and biophysical properties (such as structural, functional, and spatial information, amino acid conservation, physicochemical variation, residue mobility, and thermodynamic stability) has been performed for this missense variant. However, the output from this modeling did not meet the statistical confidence thresholds required to predict the impact of this variant on ALPK3 protein function. In summary, the available evidence is currently insufficient to determine the role of this variant in disease. Therefore, it has been classified as a Variant of Uncertain Significance.

GeneDx
Classification: Uncertain significance. Last evaluated: 2025-01-14. Review status: criteria provided, single submitter. Criteria: GeneDx Variant Classification Process June 2021. Collection method: clinical testing. Allele origin: germline. Affected: yes.
Comment: Not observed at significant frequency in large population cohorts (gnomAD); In silico analysis supports that this missense variant has a deleterious effect on protein structure/function; Has not been previously published as pathogenic or benign to our knowledge